The following is an entry in ClinVar:

NM_017841.4(SDHAF2):c.36G>A (p.Leu12=)

Gene: SDHAF2 (succinate dehydrogenase complex assembly factor 2; plus strand). Cytogenetic location: 11q12.2.
Variant type: single nucleotide variant.
Coding change: c.36G>A on transcript NM_017841.4 (MANE Select); coding-DNA position 36, G replaced by A.
Protein change: p.Leu12=; no amino-acid change (leucine 12 retained).
Molecular consequence: synonymous variant.
Genome position (GRCh38, 1-based): chr11:61,430,182, G>A. VCF-style: chr11-61430182-G-A. GRCh37 (hg19) VCF-style: chr11-61197654-G-A.
Identifiers: ClinVar variation 3627910 (VCV003627910.3).

ClinVar aggregate classification (germline): Uncertain significance. Review status: criteria provided, multiple submitters, no conflicts (2 of 4 stars). 2 submissions from 2 submitters: Uncertain significance (2). Last evaluated 2025-05-29.

Conditions:
Hereditary pheochromocytoma and paraganglioma. Also called: Hereditary paragangliomas and pheochromocytomas; Hereditary Paraganglioma-Pheochromocytoma Syndromes; Hereditary pheochromocytoma-paraganglioma. Identifiers: Orphanet 29072, MedGen C4274332, MONDO:0017366.
Hereditary cancer-predisposing syndrome. Also called: Tumor predisposition; Hereditary Cancer Syndrome; Neoplastic Syndromes, Hereditary; Hereditary neoplastic syndrome. Identifiers: Orphanet 140162, MedGen C0027672, MeSH D009386, MONDO:0015356.

Submissions (2):

Ambry Genetics
Classification: Uncertain significance for Hereditary cancer-predisposing syndrome. Last evaluated: 2025-05-29. Review status: criteria provided, single submitter. Criteria: Ambry Variant Classification Scheme 2023. Collection method: clinical testing. Allele origin: germline.
Comment: The c.36G>A variant (also known as p.L12L), located in coding exon 1 of the SDHAF2 gene, results from a G to A substitution at nucleotide position 36. This nucleotide substitution does not change the amino acid at codon 12. However, this change occurs in the last base pair of coding exon 1, which makes it likely to have some effect on normal mRNA splicing. This nucleotide position is highly conserved in available vertebrate species. In silico splice site analysis predicts that this alteration will weaken the native splice donor site and may result in the creation or strengthening of a novel splice donor site. In addition, since this alteration occurs near the 5' end of the SDHAF2 gene, the resulting transcript may escape nonsense-mediated mRNA decay and/or be prone to rescue by reinitiation (Rivas et al. Science. 2015 May 8;348(6235):666-9; Lindeboom et al. Nat Genet. 2016 Oct;48(10):1112-8; Rhee et al. Sci Rep. 2017 May 10;7(1):1653), and there is an in-frame methionine at codon 13, which may result in an alternative transcriptional start site. Since supporting evidence is limited at this time, the clinical significance of this alteration remains unclear.

Labcorp Genetics (formerly Invitae), Labcorp
Classification: Uncertain significance for Hereditary pheochromocytoma and paraganglioma. Last evaluated: 2024-12-23. Review status: criteria provided, single submitter. Criteria: Invitae Variant Classification Sherloc (09022015). Collection method: clinical testing. Allele origin: germline.
Comment: This sequence change affects codon 12 of the SDHAF2 mRNA. It is a 'silent' change, meaning that it does not change the encoded amino acid sequence of the SDHAF2 protein. This variant also falls at the last nucleotide of exon 1, which is part of the consensus splice site for this exon. This variant is not present in population databases (gnomAD no frequency). This variant has not been reported in the literature in individuals affected with SDHAF2-related conditions. Variants that disrupt the consensus splice site are a relatively common cause of aberrant splicing (PMID: 17576681, 9536098). Algorithms developed to predict the effect of sequence changes on RNA splicing suggest that this variant may disrupt the consensus splice site. In summary, the available evidence is currently insufficient to determine the role of this variant in disease. Therefore, it has been classified as a Variant of Uncertain Significance.

Literature cited by the submitters: PubMed 17576681 (cited by Labcorp Genetics (formerly Invitae), Labcorp); PubMed 9536098 (cited by Labcorp Genetics (formerly Invitae), Labcorp).